The following is an entry in ClinVar:

NM_002875.5(RAD51):c.484A>G (p.Thr162Ala)

Gene: RAD51 (RAD51 recombinase; plus strand). Cytogenetic location: 15q15.1.
Variant type: single nucleotide variant.
Coding change: c.484A>G on transcript NM_002875.5 (MANE Select); coding-DNA position 484, A replaced by G.
Protein change: p.Thr162Ala; replaces threonine 162 with alanine.
Molecular consequence: missense variant.
Genome position (GRCh38, 1-based): chr15:40,718,853, A>G. VCF-style: chr15-40718853-A-G. GRCh37 (hg19) VCF-style: chr15-41011051-A-G.
Other names: c.487A>G, p.Thr163Ala (NM_001164269.2, NM_133487.4); c.484A>G, p.Thr162Ala (NM_001164270.2); short protein forms T163A, T162A.
Identifiers: ClinVar variation 1743549 (VCV001743549.2), dbSNP rs2504486028, ClinGen allele CA391753443.
Genomic context (GRCh38, chr15:40,718,853, plus strand): 5'-TGTTCTCTATAGCTTCCCATTGACCGGGGTGGAGGTGAAGGAAAGGCCATGTACATTGAC[A>G]CTGAGGGTACCTTTAGGCCAGAACGGCTGCTGGCAGTGGCTGAGAGGTAGGTTACTGGTT-3'
Protein context (NP_002866.2, residues 152-172): GGEGKAMYID[Thr162Ala]EGTFRPERLL

ClinVar aggregate classification (germline): Uncertain significance (1 of 4 stars; one submission).

Conditions:
Inborn genetic diseases. Identifiers: MedGen C0950123, MeSH D030342.

Submission:

Ambry Genetics
Classification: Uncertain significance for Inborn genetic diseases. Last evaluated: 2022-08-22. Review status: criteria provided, single submitter. Criteria: Ambry Variant Classification Scheme 2023. Collection method: clinical testing. Allele origin: germline.
Comment: The p.T162A variant (also known as c.484A>G), located in coding exon 5 of the RAD51 gene, results from an A to G substitution at nucleotide position 484. The threonine at codon 162 is replaced by alanine, an amino acid with similar properties. This amino acid position is conserved. In addition, this alteration is predicted to be deleterious by in silico analysis. Since supporting evidence is limited at this time, the clinical significance of this alteration remains unclear.